The following is an entry in ClinVar:

NM_002691.4(POLD1):c.1137+34G>A

Gene: POLD1 (DNA polymerase delta 1, catalytic subunit; plus strand). Cytogenetic location: 19q13.33.
Variant type: single nucleotide variant.
Coding change: c.1137+34G>A on transcript NM_002691.4 (MANE Select); 34 bases into the intron after coding-DNA position 1137, G replaced by A.
Molecular consequence: intron variant.
Genome position (GRCh38, 1-based): chr19:50,403,253, G>A. VCF-style: chr19-50403253-G-A. GRCh37 (hg19) VCF-style: chr19-50906510-G-A.
Other names: NC_000019.9:g.50906510G>A; c.1137+34G>A (NM_001256849.1, NM_001308632.1).
Identifiers: ClinVar variation 676641 (VCV000676641.3), dbSNP rs55808115, ClinGen allele CA9596031.

ClinVar aggregate classification (germline): Benign/Likely benign. Review status: criteria provided, multiple submitters, no conflicts (2 of 4 stars). 2 submissions from 2 submitters: Benign (1); Likely benign (1). Last evaluated 2025-03-04.

Allele frequency attached by ClinVar (database versions not stated): 1000 Genomes Project 30x 0.00890; gnomAD exomes 0.00084 and 0.00256; gnomAD 0.00841 and 0.00904; ExAC 0.00740; ESP Exome Variant Server 0.00767; TOPMed 0.00945; 1000 Genomes Project 0.00899.
gnomAD v4.1: 2,437 of 1,514,148 alleles (0.16%); highest among the groups gnomAD compares: African/African-American, 2.9%; 30 homozygotes.

Submissions (4):

Center for Genomic Medicine, Rigshospitalet, Copenhagen University Hospital
Classification: Benign. Last evaluated: 2025-03-04. Review status: criteria provided, single submitter. Criteria: ACMG Guidelines, 2015. Collection method: clinical testing. Allele origin: germline.

GeneDx
Classification: Likely benign. Last evaluated: 2018-06-16. Review status: criteria provided, single submitter. Criteria: GeneDx Variant Classification (06012015). Collection method: clinical testing. Allele origin: germline. Affected: yes.
Comment: This variant is considered likely benign or benign based on one or more of the following criteria: it is a conservative change, it occurs at a poorly conserved position in the protein, it is predicted to be benign by multiple in silico algorithms, and/or has population frequency not consistent with disease.

Dr. Peter K. Rogan Lab, Western University
No classification provided (evidence only). Condition: Uterine corpus endometrial carcinoma. Review status: no classification provided. Collection method: in vitro. Allele origin: not applicable. Functional consequence: retained intron. Not counted in ClinVar's aggregate classification.

Dr. Peter K. Rogan Lab, Western University
No classification provided (evidence only). Condition: Sarcoma. Review status: no classification provided. Collection method: in vitro. Allele origin: not applicable. Functional consequence: retained intron. Not counted in ClinVar's aggregate classification.